The following is an entry in ClinVar:

NM_000548.5(TSC2):c.4201C>T (p.Pro1401Ser)

Gene: TSC2 (TSC complex subunit 2; plus strand). Cytogenetic location: 16p13.3.
Variant type: single nucleotide variant.
Coding change: c.4201C>T on transcript NM_000548.5 (MANE Select); coding-DNA position 4201, C replaced by T.
Protein change: p.Pro1401Ser; replaces proline 1401 with serine.
Molecular consequence: missense variant.
Genome position (GRCh38, 1-based): chr16:2,084,423, C>T. VCF-style: chr16-2084423-C-T. GRCh37 (hg19) VCF-style: chr16-2134424-C-T.
Other names: c.3469C>T, p.Pro1157Ser (NM_001318831.2); c.4033C>T, p.Pro1345Ser (NM_001318832.2); c.4003C>T, p.Pro1335Ser (NM_001363528.2); c.4069C>T, p.Pro1357Ser (NM_001370404.1); c.4072C>T, p.Pro1358Ser (NM_001370405.1, NM_021055.3); c.4000C>T, p.Pro1334Ser (NM_001077183.3); c.4132C>T, p.Pro1378Ser (NM_001114382.3); c.3892C>T, p.Pro1298Ser (NM_001318827.2); and 1 more; short protein forms P1335S, P1286S, P1357S, P1358S, P1378S, P1401S, P1157S, P1298S.
Identifiers: ClinVar variation 664373 (VCV000664373.19), dbSNP rs778147657, ClinGen allele CA050649.

ClinVar aggregate classification (germline): Conflicting classifications of pathogenicity. Review status: criteria provided, conflicting classifications (1 of 4 stars). 6 submissions from 6 submitters: Uncertain significance (2); Benign (1); Likely benign (3). Last evaluated 2026-01-27.

Conditions:
Hereditary cancer-predisposing syndrome. Also called: Neoplastic Syndromes, Hereditary; Hereditary neoplastic syndrome; Tumor predisposition; Hereditary Cancer Syndrome. Identifiers: Orphanet 140162, MedGen C0027672, MeSH D009386, MONDO:0015356.
Tuberous sclerosis syndrome (TSC). Also called: Tuberous Sclerosis Complex; Tuberous sclerosis. Identifiers: Orphanet 805, MedGen C0041341, MONDO:0001734.
Tuberous sclerosis 2 (TSC2). Identifiers: Orphanet 805, MedGen C1860707, MONDO:0013199, OMIM 613254.

Allele frequency attached by ClinVar (database versions not stated): gnomAD 0.00001; TOPMed 0.00002.
gnomAD v4.1: 21 of 1,611,210 alleles (0.0013%); highest among the groups gnomAD compares: Non-Finnish European, 0.0017%; no homozygotes.

Submissions (6):

Labcorp Genetics (formerly Invitae), Labcorp
Classification: Benign for Tuberous sclerosis 2. Last evaluated: 2026-01-27. Review status: criteria provided, single submitter. Criteria: Invitae Variant Classification Sherloc (09022015). Collection method: clinical testing. Allele origin: germline.

Color Diagnostics, LLC DBA Color Health
Classification: Likely benign for Tuberous sclerosis syndrome. Last evaluated: 2025-07-15. Review status: criteria provided, single submitter. Criteria: ACMG Guidelines, 2015. Collection method: clinical testing. Allele origin: germline.

Ambry Genetics
Classification: Uncertain significance for Hereditary cancer-predisposing syndrome. Last evaluated: 2024-09-10. Review status: criteria provided, single submitter. Criteria: Ambry Variant Classification Scheme 2023. Collection method: clinical testing. Allele origin: germline.
Comment: The p.P1401S variant (also known as c.4201C>T), located in coding exon 33 of the TSC2 gene, results from a C to T substitution at nucleotide position 4201. The proline at codon 1401 is replaced by serine, an amino acid with similar properties. This amino acid position is not well conserved in available vertebrate species. In addition, the in silico prediction for this alteration is inconclusive. Based on the available evidence, the clinical significance of this variant remains unclear.

All of Us Research Program, National Institutes of Health
Classification: Uncertain significance for Tuberous sclerosis syndrome. Last evaluated: 2023-12-01. Review status: criteria provided, single submitter. Criteria: ACMG Guidelines, 2015. Collection method: clinical testing. Allele origin: germline. Inheritance: Autosomal dominant inheritance. Observed: 4 variant alleles, 4 heterozygotes.
Comment: This missense variant replaces proline with serine at codon 1401 of the TSC2 protein. Computational prediction is inconclusive regarding the impact of this variant on protein structure and function (internally defined REVEL score threshold 0.5 < inconclusive < 0.7, PMID: 27666373). To our knowledge, functional studies have not been reported for this variant. This variant has not been reported in individuals affected with tuberous sclerosis complex in the literature. This variant has been identified in 3/276254 chromosomes in the general population by the Genome Aggregation Database (gnomAD). The available evidence is insufficient to determine the role of this variant in disease conclusively. Therefore, this variant is classified as a Variant of Uncertain Significance.

This study involves interpretation of variants in research participants for the purpose of population health screening. Participant phenotype was not available at the time of variant classification. Additional details can be found in publication PMID: 35346344, PMCID: PMC8962531

Genome-Nilou Lab
Classification: Likely benign for Tuberous sclerosis 2. Last evaluated: 2021-11-07. Review status: criteria provided, single submitter. Criteria: ACMG Guidelines, 2015. Collection method: clinical testing. Allele origin: germline. Affected: no.

GeneDx
Classification: Likely benign. Last evaluated: 2019-10-30. Review status: criteria provided, single submitter. Criteria: GeneDx Variant Classification Process June 2021. Collection method: clinical testing. Allele origin: germline. Affected: yes.
Comment: This variant is associated with the following publications: (PMID: 29632054)